The following is an entry in ClinVar:

NM_000506.3(F2):c.1381C>T (p.Arg461Trp)

Gene: F2 (coagulation factor II, thrombin; plus strand). Cytogenetic location: 11p11.2.
Variant type: single nucleotide variant.
Coding change: c.1381C>T on transcript NM_000506.3; coding-DNA position 1381, C replaced by T.
Protein change: p.Arg461Trp; replaces arginine 461 with tryptophan.
Molecular consequence: missense variant (on NM_000506.5).
Genome position (GRCh38, 1-based): chr11:46,728,746, C>T. VCF-style: chr11-46728746-C-T. GRCh37 (hg19) VCF-style: chr11-46750296-C-T.
Other names: F2, ARG418TRP; R418W; c.1381C>T, p.Arg461Trp (NM_000506.5); short protein forms R461W.
Identifiers: ClinVar variation 13304 (VCV000013304.5), dbSNP rs121918478, ClinGen allele CA123005.

ClinVar aggregate classification (germline): Pathogenic/Likely pathogenic. Review status: criteria provided, multiple submitters, no conflicts (2 of 4 stars). 3 submissions from 3 submitters: Pathogenic (1); Likely pathogenic (1). 1 of the submissions does not count toward it. Last evaluated 2026-02-08.

Conditions:
Congenital prothrombin deficiency. Also called: Hereditary factor II deficiency disease; Factor II deficiency; HYPOPROTHROMBINEMIA; Inherited hypoprothrombinemia; Congenital factor II deficiency; Inherited prothrombin deficiency. Identifiers: Orphanet 325, MedGen C0272317, MONDO:0013361, OMIM 613679.

Allele frequency attached by ClinVar (database versions not stated): ExAC 0.00002; gnomAD exomes 0.00001; TOPMed 0.00001; gnomAD 0.00001.
gnomAD v4.1: 19 of 1,614,040 alleles (0.0012%); highest among the groups gnomAD compares: African/African-American, 0.0027%; no homozygotes.

Submissions (3):

GeneDx
Classification: Likely pathogenic. Last evaluated: 2026-02-08. Review status: criteria provided, single submitter. Criteria: GeneDx Variant Classification Process June 2021. Collection method: clinical testing. Allele origin: germline.
Comment: Published functional studies that this variant inhibits protein activation into mature thrombin peptide (PMID: 3801671); Not observed at significant frequency in large population cohorts (gnomAD); In silico analysis supports that this missense variant has a deleterious effect on protein structure/function; Also known as p.R418W; This variant is associated with the following publications: (PMID: 3567158, 26192110, 6085205, 11154146, 8585050, 3801671, 19598065, 36430862, 1349838, 1334372, 37647632)

Laboratory for Molecular Medicine, Mass General Brigham Personalized Medicine
Classification: Pathogenic for Congenital prothrombin deficiency. Last evaluated: 2017-05-26. Review status: criteria provided, single submitter. Criteria: ACMG Guidelines, 2015. Collection method: clinical testing. Allele origin: germline. Inheritance: Autosomal recessive inheritance.
Comment: The p.Arg461Trp variant in F2 (also known as Arg418Trp, Tokushima or Molise I variant) has been reported in 3 individuals with clinical features of prothrombin deficiency (Iwahana 1992, James 1995 and Maeda 2015). This variant has been identified in 2/66700) of European chromosomes by the Exome Aggregation Consortium (ExAC; dbSNP rs121918478). Although this variant has been seen in the general population, its frequency is low enough to be consistent with a recessive carrier frequency. In vitro functional studies provide evidence to support an impact to protein function (Inomoto 1987). In summary, this variant meets criteria to be classified as pathogenic for prothrombin deficiency in an autosomal recessive manner based upon biallelic observations, low frequency in controls and functional evidence.

OMIM
Classification: Pathogenic for DYSPROTHROMBINEMIA. Last evaluated: 2009-06-01. Review status: no assertion criteria provided. Collection method: literature only. Allele origin: germline. Not counted in ClinVar's aggregate classification.

Literature cited by the submitters: PubMed 11154146 (cited by Laboratory for Molecular Medicine, Mass General Brigham Personalized Medicine); PubMed 3801671 (cited by Laboratory for Molecular Medicine, Mass General Brigham Personalized Medicine and OMIM); PubMed 19598065 (cited by Laboratory for Molecular Medicine, Mass General Brigham Personalized Medicine and OMIM); PubMed 1349838 (cited by Laboratory for Molecular Medicine, Mass General Brigham Personalized Medicine and OMIM); PubMed 1334372 (cited by Laboratory for Molecular Medicine, Mass General Brigham Personalized Medicine); PubMed 8585050 (cited by Laboratory for Molecular Medicine, Mass General Brigham Personalized Medicine); PubMed 26192110 (cited by Laboratory for Molecular Medicine, Mass General Brigham Personalized Medicine); PubMed 3567158 (cited by Laboratory for Molecular Medicine, Mass General Brigham Personalized Medicine and OMIM); PubMed 6085205 (cited by OMIM); Shirakami, A., Kawauchi, S., Shigekiyo, T., Ono, H., Kataoka, K., Miyoshi, K., Yura, Y. Prothrombin Tokushima: a family with heterozygosity for dysprothrombin and hypoprothrombin. (Abstract) Acta Haemat. Jpn. 46: 589-only, 1983. (cited by OMIM).